The following is an entry in ClinVar:

NM_001106.4(ACVR2B):c.*2392T>C

Gene: ACVR2B (activin A receptor type 2B; plus strand). Cytogenetic location: 3p22.2.
Variant type: single nucleotide variant.
Coding change: c.*2392T>C on transcript NM_001106.4 (MANE Select); 2392 bases downstream of the stop codon, T replaced by C.
Molecular consequence: 3 prime UTR variant.
Genome position (GRCh38, 1-based): chr3:38,485,724, T>C. VCF-style: chr3-38485724-T-C. GRCh37 (hg19) VCF-style: chr3-38527215-T-C.
Identifiers: ClinVar variation 344967 (VCV000344967.6), dbSNP rs11914389, ClinGen allele CA10616247.

ClinVar aggregate classification (germline): Benign. Review status: criteria provided, multiple submitters, no conflicts (2 of 4 stars). 2 submissions from 2 submitters: Benign (2). Last evaluated 2018-01-13.

Conditions:
Heterotaxy, visceral, 4, autosomal (HTX4). Identifiers: Orphanet 450, MedGen C3151057, MONDO:0013403, OMIM 613751.

Allele frequency attached by ClinVar (database versions not stated): 1000 Genomes Project 30x 0.38273; 1000 Genomes Project 0.38578; gnomAD 0.44215 and 0.44289; gnomAD exomes 0.51636.
gnomAD v4.1: 62,232 of 140,350 alleles (44%); highest among the groups gnomAD compares: Non-Finnish European, 56%; 15,371 homozygotes.

Submissions (2):

Illumina Laboratory Services, Illumina
Classification: Benign for Heterotaxy, visceral, 4, autosomal. Last evaluated: 2018-01-13. Review status: criteria provided, single submitter. Criteria: ICSL Variant Classification Criteria 13 December 2019. Collection method: clinical testing. Allele origin: germline.
Comment: This variant was observed in the ICSL laboratory as part of a predisposition screen in an ostensibly healthy population. It had not been previously curated by ICSL or reported in the Human Gene Mutation Database (HGMD: prior to June 1st, 2018), and was therefore a candidate for classification through an automated scoring system. Utilizing variant allele frequency, disease prevalence and penetrance estimates, and inheritance mode, an automated score was calculated to assess if this variant is too frequent to cause the disease. Based on the score and internal cut-off values, a variant classified as benign is not then subjected to further curation. The score for this variant resulted in a classification of benign for this disease.

Breakthrough Genomics
Classification: Benign. Review status: criteria provided, single submitter. Criteria: ACMG Guidelines, 2015. Collection method: not provided. Allele origin: germline. Inheritance: Unknown mechanism. Affected: yes.